The following is an entry in ClinVar:

ClinVar aggregate classification (germline): Pathogenic (1 of 4 stars; one submission).

Conditions:
GRN-related frontotemporal lobar degeneration with Tdp43 inclusions (FTD2). Also called: FRONTOTEMPORAL DEMENTIA WITH TDP43 INCLUSIONS, GRN-RELATED; FRONTOTEMPORAL LOBAR DEGENERATION WITH UBIQUITIN-POSITIVE INCLUSIONS; FTLD-TDP, GRN-RELATED; GRN Frontotemporal Dementia; DEMENTIA, HEREDITARY DYSPHASIC DISINHIBITION. Identifiers: Orphanet 100070, Orphanet 282, MedGen C1843792, MONDO:0011842, OMIM 607485. Disease mechanism: loss of function.
Neuronal ceroid lipofuscinosis 11. Also called: GRN-Related Neuronal Ceroid-Lipofuscinosis. Identifiers: Orphanet 314629, Orphanet 79262, MedGen C3539123, MONDO:0013866, OMIM 614706.

Submission:

Labcorp Genetics (formerly Invitae), Labcorp
Classification: Pathogenic for Neuronal ceroid lipofuscinosis 11; GRN-related frontotemporal lobar degeneration with Tdp43 inclusions. Last evaluated: 2019-01-22. Review status: criteria provided, single submitter. Criteria: Invitae Variant Classification Sherloc (09022015). Collection method: clinical testing. Allele origin: germline.
Comment: This variant has not been reported in the literature in individuals with GRN-related disease. Loss-of-function variants in GRN are known to be pathogenic (PMID: 16862116, 16950801, 22608501). For these reasons, this variant has been classified as Pathogenic. This variant is not present in population databases (ExAC no frequency). This sequence change creates a premature translational stop signal (p.Val28Cysfs*37) in the GRN gene. It is expected to result in an absent or disrupted protein product.

Literature cited by the submitters: PubMed 16862116; PubMed 16950801; PubMed 22608501.

NM_002087.4(GRN):c.80dup (p.Val28fs)

Gene: GRN (granulin precursor; plus strand). Cytogenetic location: 17q21.31.
Variant type: Duplication.
Coding change: c.80dup on transcript NM_002087.4 (MANE Select); coding-DNA position 80, one base duplicated (C; older notation c.80dupC).
Protein change: p.Val28fs; shifts the reading frame from valine 28.
Molecular consequence: frameshift variant.
Genome position (GRCh38, 1-based): chr17:44,349,244, C duplicated; the last of 3 consecutive C bases (chr17:44,349,242-44,349,244); duplicating any one gives the same sequence. VCF-style (leftmost placement, unchanged base first): chr17-44349241-G-GC. GRCh37 (hg19) VCF-style: chr17-42426609-G-GC.
Other names: c.80dupC (NM_002087.3); short protein forms V28fs.
Identifiers: ClinVar variation 540277 (VCV000540277.8), dbSNP rs1392550887, ClinGen allele CA658798869.
Genomic context (GRCh38, chr17:44,349,241, plus strand): 5'-GCTGGGTGGCCTTAACAGCAGGGCTGGTGGCTGGAACGCGGTGCCCAGATGGTCAGTTCT[G>GC]CCCTGTGGCCTGCTGCCTGGACCCCGGAGGAGCCAGCTACAGCTGCTGCCGTCCCCTTCT-3'